The following is an entry in ClinVar:

ClinVar aggregate classification (germline): Uncertain significance. Review status: criteria provided, multiple submitters, no conflicts (2 of 4 stars). 5 submissions from 5 submitters: Uncertain significance (4). 1 of the submissions does not count toward it. Last evaluated 2025-08-08.

Conditions:
Hereditary cancer-predisposing syndrome. Also called: Hereditary Cancer Syndrome; Hereditary neoplastic syndrome; Neoplastic Syndromes, Hereditary; Tumor predisposition. Identifiers: Orphanet 140162, MedGen C0027672, MeSH D009386, MONDO:0015356.
Breast-ovarian cancer, familial, susceptibility to, 1 (BROVCA1). Also called: BRCA1 Hereditary Breast and Ovarian Cancer; OVARIAN CANCER, SUSCEPTIBILITY TO. Identifiers: Orphanet 145, MedGen C2676676, MONDO:0011450, OMIM 604370. Disease mechanism: loss of function.
Hereditary breast ovarian cancer syndrome. Also called: BRCA1- and BRCA2-Associated Hereditary Breast and Ovarian Cancer; Hereditary breast and ovarian cancer syndrome; Hereditary breast and ovarian cancer syndrome (HBOC); Breast and ovarian cancer; Hereditary breast and/or ovarian cancer syndrome; Hereditary breast and ovarian cancer. Identifiers: Orphanet 145, MedGen C0677776, MeSH D061325, MONDO:0003582. Disease mechanism: loss of function.

Submissions (5):

Ambry Genetics
Classification: Uncertain significance for Hereditary cancer-predisposing syndrome. Last evaluated: 2025-08-08. Review status: criteria provided, single submitter. Criteria: Ambry Variant Classification Scheme 2023. Collection method: clinical testing. Allele origin: germline.
Comment: The c.4036_4038delGAA variant (also known as p.E1346del) is located in coding exon 9 of the BRCA1 gene. This variant results from an in-frame GAA deletion at nucleotide positions 4036 to 4038. This results in the in-frame deletion of a glutamic acid at codon 1346. This amino acid position is well conserved in available vertebrate species. In addition, this variant is predicted to be neutral by in silico analysis (Choi Y et al. PLoS ONE. 2012; 7(10):e46688). Based on the available evidence, the clinical significance of this variant remains unclear.

All of Us Research Program, National Institutes of Health
Classification: Uncertain significance for Breast-ovarian cancer, familial, susceptibility to, 1. Last evaluated: 2023-08-15. Review status: criteria provided, single submitter. Criteria: ACMG Guidelines, 2015. Collection method: clinical testing. Allele origin: germline. Inheritance: Autosomal dominant inheritance. Observed: 2 variant alleles, 2 heterozygotes.
Comment: This variant causes an in-frame deletion of one amino acid of the BRCA1 protein. To our knowledge, functional studies have not been reported for this variant. This variant has not been reported in individuals affected with hereditary cancer in the literature. This variant has not been identified in the general population by the Genome Aggregation Database (gnomAD). The available evidence is insufficient to determine the role of this variant in disease conclusively. Therefore, this variant is classified as a Variant of Uncertain Significance.

This study involves interpretation of variants in research participants for the purpose of population health screening. Participant phenotype was not available at the time of variant classification. Additional details can be found in publication PMID: 35346344, PMCID: PMC8962531

Color Diagnostics, LLC DBA Color Health
Classification: Uncertain significance for Hereditary cancer-predisposing syndrome. Last evaluated: 2022-12-08. Review status: criteria provided, single submitter. Criteria: ACMG Guidelines, 2015. Collection method: clinical testing. Allele origin: germline.
Comment: This variant causes an in-frame deletion of one amino acid of the BRCA1 protein. To our knowledge, functional studies have not been reported for this variant. This variant has not been reported in individuals affected with hereditary cancer in the literature. This variant has not been identified in the general population by the Genome Aggregation Database (gnomAD). The available evidence is insufficient to determine the role of this variant in disease conclusively. Therefore, this variant is classified as a Variant of Uncertain Significance.

Labcorp Genetics (formerly Invitae), Labcorp
Classification: Uncertain significance for Hereditary breast ovarian cancer syndrome. Last evaluated: 2022-02-03. Review status: criteria provided, single submitter. Criteria: Invitae Variant Classification Sherloc (09022015). Collection method: clinical testing. Allele origin: germline.
Comment: This variant, c.4036_4038del, results in the deletion of 1 amino acid(s) of the BRCA1 protein (p.Glu1346del), but otherwise preserves the integrity of the reading frame. This variant is not present in population databases (gnomAD no frequency). This variant has been observed to co-occur in individuals with a different variant in BRCA1 that has been determined to be pathogenic (PMID: 10923033), but the significance of this finding is unclear. ClinVar contains an entry for this variant (Variation ID: 55079). Experimental studies and prediction algorithms are not available or were not evaluated, and the functional significance of this variant is currently unknown. In summary, the available evidence is currently insufficient to determine the role of this variant in disease. Therefore, it has been classified as a Variant of Uncertain Significance.

Breast Cancer Information Core (BIC) (BRCA1)
Classification: Uncertain significance for Breast-ovarian cancer, familial 1. Last evaluated: 2004-11-25. Review status: no assertion criteria provided. Collection method: clinical testing. Allele origin: germline. Affected: yes. Observed: 1 variant allele. Not counted in ClinVar's aggregate classification.

Literature cited by the submitters: PubMed 10923033 (cited by Labcorp Genetics (formerly Invitae), Labcorp).

NM_007294.4(BRCA1):c.4033GAA[1] (p.Glu1346del)

Genes: BRCA1 (BRCA1 DNA repair associated; minus strand), LOC126862571 (BRD4-independent group 4 enhancer GRCh37_chr17:41243136-41244335; plus strand). Cytogenetic location: 17q21.31.
Variant type: Microsatellite.
Coding change: c.4033GAA[1] on transcript NM_007294.4 (MANE Select); one copy of the 3-base unit GAA starting at c.4033; the reference has two copies in a row; one copy, 3 bases deleted; also written c.4036_4038del.
Protein change: p.Glu1346del; deletes glutamic acid 1346.
Molecular consequence: inframe deletion. On other transcripts: intron variant (135), inframe indel (1).
Genome position (GRCh38, 1-based): chr17:43,091,493-43,091,495, TTC deleted on the plus strand (GAA on the coding strand, the reverse complement: BRCA1 is on the minus strand); deleting any 3 consecutive bases within chr17:43,091,493-43,091,498 gives the same sequence; the position shown is the placement nearest the transcript's 3' end. VCF-style (leftmost placement, unchanged base first): chr17-43091492-TTTC-T. GRCh37 (hg19) VCF-style: chr17-41243509-TTTC-T.
Other names: c.3769GAA[1], p.Glu1258del (NM_001407929.1, NM_001407933.1, NM_001407935.1 and 9 more transcripts); c.3766GAA[1], p.Glu1257del (NM_001407930.1, NM_001407931.1, NM_001407932.1 and 2 more transcripts); c.3910GAA[1], p.Glu1305del (NM_001407937.1, NM_001407938.1, NM_001407939.1 and 19 more transcripts); c.3907GAA[1], p.Glu1304del (NM_001407940.1, NM_001407941.1, NM_001407649.1 and 11 more transcripts); c.3892GAA[1], p.Glu1299del (NM_001407942.1, NM_001407944.1, NM_001407945.1 and 29 more transcripts); c.3889GAA[1], p.Glu1298del (NM_001407943.1, NM_001407964.1, NM_001407740.1 and 20 more transcripts); c.3700GAA[1], p.Glu1235del (NM_001407946.1, NM_001407947.1, NM_001407948.1 and 6 more transcripts); c.3697GAA[1], p.Glu1234del (NM_001407954.1, NM_001407955.1, NM_001407956.1 and 1 more transcripts); and 43 more; short protein forms E1346del, E1299del, E1234del, E1235del, E1257del, E1320del, E1258del, E1276del.
Identifiers: ClinVar variation 55079 (VCV000055079.15), dbSNP rs80358340, ClinGen allele CA002574.
Genomic context (GRCh38, chr17:43,091,492, plus strand): 5'-TACCTAAGTTTGAATCCATGCTTTGCTCTTCTTGATTATTTTCTTCCAAGCCCGTTCCTC[TTTC>T]TTCATCATCTGAAACCAATTCCTTGTCACTCAGACCAACTCCCTGGCTTTCAGACTGATG-3'